The following is an entry in ClinVar:

NM_203446.3(SYNJ1):c.1259G>A (p.Arg420His)

Gene: SYNJ1 (synaptojanin 1; minus strand). Cytogenetic location: 21q22.11.
Variant type: single nucleotide variant.
Coding change: c.1259G>A on transcript NM_203446.3 (MANE Select); coding-DNA position 1259, G replaced by A.
Protein change: p.Arg420His; replaces arginine 420 with histidine.
Molecular consequence: missense variant.
Genome position (GRCh38, 1-based): chr21:32,681,590, C>T on the plus strand (G>A on the coding strand, the complement: SYNJ1 is on the minus strand). VCF-style: chr21-32681590-C-T. GRCh37 (hg19) VCF-style: chr21-34053900-C-T.
Other names: c.1259G>A, p.Arg420His (NM_001160302.2, NM_001160306.2); c.1376G>A, p.Arg459His (NM_003895.4); short protein forms R459H, R420H.
Identifiers: ClinVar variation 1488630 (VCV001488630.6), dbSNP rs1060499619, ClinGen allele CA410090187.

ClinVar aggregate classification (germline): Uncertain significance (1 of 4 stars; one submission).

Conditions:
Developmental and epileptic encephalopathy, 53. Also called: Epileptic encephalopathy, early infantile, 53. Identifiers: MedGen C4479313, MONDO:0033362, OMIM 617389.
Early-onset Parkinson disease 20. Also called: PARKINSON DISEASE 20, AUTOSOMAL RECESSIVE EARLY-ONSET. Identifiers: Orphanet 391411, MedGen C3809824, MONDO:0014233, OMIM 615530.

Allele frequency attached by ClinVar (database versions not stated): gnomAD exomes below 0.00001.
gnomAD v4.1: 3 of 1,613,814 alleles (0.00019%); highest among the groups gnomAD compares: Non-Finnish European, 0.00025%; no homozygotes.

Submission:

Labcorp Genetics (formerly Invitae), Labcorp
Classification: Uncertain significance for Developmental and epileptic encephalopathy, 53; Early-onset Parkinson disease 20. Last evaluated: 2023-10-13. Review status: criteria provided, single submitter. Criteria: Invitae Variant Classification Sherloc (09022015). Collection method: clinical testing. Allele origin: germline.
Comment: This sequence change replaces arginine, which is basic and polar, with histidine, which is basic and polar, at codon 459 of the SYNJ1 protein (p.Arg459His). This variant is not present in population databases (gnomAD no frequency). This missense change has been observed in individual(s) with clinical features of early-onset Parkinson disease (PMID: 32707456). ClinVar contains an entry for this variant (Variation ID: 1488630). Advanced modeling of protein sequence and biophysical properties (such as structural, functional, and spatial information, amino acid conservation, physicochemical variation, residue mobility, and thermodynamic stability) performed at Invitae indicates that this missense variant is expected to disrupt SYNJ1 protein function. This variant disrupts the p.Arg459 amino acid residue in SYNJ1. Other variant(s) that disrupt this residue have been observed in individuals with SYNJ1-related conditions (PMID: 27496670), which suggests that this may be a clinically significant amino acid residue. In summary, the available evidence is currently insufficient to determine the role of this variant in disease. Therefore, it has been classified as a Variant of Uncertain Significance.

Literature cited by the submitters: PubMed 32707456; PubMed 27496670.